The following is an entry in ClinVar:

ClinVar aggregate classification (germline): Pathogenic/Likely pathogenic. Review status: criteria provided, multiple submitters, no conflicts (2 of 4 stars). 3 submissions from 3 submitters: Pathogenic (2); Likely pathogenic (1). Last evaluated 2023-12-08.

Conditions:
Hereditary cancer-predisposing syndrome. Also called: Tumor predisposition; Hereditary Cancer Syndrome; Hereditary neoplastic syndrome; Neoplastic Syndromes, Hereditary. Identifiers: Orphanet 140162, MedGen C0027672, MeSH D009386, MONDO:0015356.

Submissions (3):

Ambry Genetics
Classification: Pathogenic for Hereditary cancer-predisposing syndrome. Last evaluated: 2023-12-08. Review status: criteria provided, single submitter. Criteria: Ambry Variant Classification Scheme 2023. Collection method: clinical testing. Allele origin: germline.
Comment: The c.41_43delACTins20 variant, located in coding exon 1 of the CDKN2A gene, results from the deletion of 3 nucleotides and insertion of 20 nucleotides causing a translational frameshift with a predicted alternate stop codon (p.D14Afs*18). This alteration is expected to result in loss of function by premature protein truncation or nonsense-mediated mRNA decay. As such, this alteration is interpreted as a disease-causing mutation.

GeneDx
Classification: Likely pathogenic. Last evaluated: 2023-09-18. Review status: criteria provided, single submitter. Criteria: GeneDx Variant Classification Process June 2021. Collection method: clinical testing. Allele origin: germline. Affected: yes.
Comment: Frameshift variant predicted to result in protein truncation or nonsense mediated decay in a gene for which loss of function is a known mechanism of disease; Not observed at significant frequency in large population cohorts (gnomAD); Observed in an individual with a personal and family history of melanoma (Nikolaou et al., 2011); This variant is associated with the following publications: (PMID: 21801156)

Color Diagnostics, LLC DBA Color Health
Classification: Pathogenic for Hereditary cancer-predisposing syndrome. Last evaluated: 2022-12-12. Review status: criteria provided, single submitter. Criteria: ACMG Guidelines, 2015. Collection method: clinical testing. Allele origin: germline.
Comment: The CDKN2A locus encodes two different gene products, p16INK4a and p14ARF. This variant causes a frameshift and premature translation stop signal in exon 1 of the CDKN2A (p16INK4A) gene and is expected to result in an absent or nonfunctional protein product. This variant has not been reported in individuals affected with hereditary cancer in the literature. This variant has not been identified in the general population by the Genome Aggregation Database (gnomAD). Loss of CDKN2A function is a known mechanism of disease. Based on the available evidence, this variant is classified as Pathogenic.

NM_000077.5(CDKN2A):c.41_43delinsCCGTGGCTGGCCACGGCCAC (p.Asp14fs)

Gene: CDKN2A (cyclin dependent kinase inhibitor 2A; minus strand). Cytogenetic location: 9p21.3.
Variant type: Indel.
Coding change: c.41_43delinsCCGTGGCTGGCCACGGCCAC on transcript NM_000077.5; coding-DNA positions 41 to 43, ACT replaced by CCGTGGCTGGCCACGGCCAC.
Protein change: p.Asp14fs; shifts the reading frame from aspartic acid 14.
Molecular consequence: frameshift variant (on NM_000077.4). On other transcripts: intron variant (2).
Genome position (GRCh38, 1-based): chr9:21,974,785-21,974,787, AGT replaced by GTGGCCGTGGCCAGCCACGG on the plus strand (ACT replaced by CCGTGGCTGGCCACGGCCAC on the coding strand, the reverse complement: CDKN2A is on the minus strand). VCF-style: chr9-21974785-AGT-GTGGCCGTGGCCAGCCACGG. GRCh37 (hg19) VCF-style: chr9-21974784-AGT-GTGGCCGTGGCCAGCCACGG.
Other names: c.41_43delACTinsCCGTGGCTGGCCACGGCCAC, p.Asp14Alafs (NM_000077.4, NM_000077.6); c.41_43delinsCCGTGGCTGGCCACGGCCAC, p.Asp14fs (NM_001195132.2, NM_058197.5); c.-3-3579_-3-3577delinsCCGTGGCTGGCCACGGCCAC (NM_001363763.2); c.194-3579_194-3577delinsCCGTGGCTGGCCACGGCCAC (NM_058195.4); short protein forms D14fs.
Identifiers: ClinVar variation 3230258 (VCV003230258.3), dbSNP rs1587340291, ClinGen allele CA2695210497.